The following is an entry in ClinVar:

NM_001205293.3(CACNA1E):c.6906C>A (p.Asn2302Lys)

Gene: CACNA1E (calcium voltage-gated channel subunit alpha1 E; plus strand). Cytogenetic location: 1q25.3.
Variant type: single nucleotide variant.
Coding change: c.6906C>A on transcript NM_001205293.3 (MANE Select); coding-DNA position 6906, C replaced by A.
Protein change: p.Asn2302Lys; replaces asparagine 2302 with lysine.
Molecular consequence: missense variant.
Genome position (GRCh38, 1-based): chr1:181,798,798, C>A. VCF-style: chr1-181798798-C-A. GRCh37 (hg19) VCF-style: chr1-181767934-C-A.
Other names: c.6777C>A, p.Asn2259Lys (NM_000721.4); c.6720C>A, p.Asn2240Lys (NM_001205294.2); short protein forms N2259K, N2240K, N2302K.
Identifiers: ClinVar variation 3690055 (VCV003690055.2).

ClinVar aggregate classification (germline): Uncertain significance (1 of 4 stars; one submission).

gnomAD v4.1: 3 of 1,546,632 alleles (0.00019%); highest among the groups gnomAD compares: Non-Finnish European, 0.00026%; no homozygotes.

Submission:

Labcorp Genetics (formerly Invitae), Labcorp
Classification: Uncertain significance. Last evaluated: 2024-02-01. Review status: criteria provided, single submitter. Criteria: Invitae Variant Classification Sherloc (09022015). Collection method: clinical testing. Allele origin: germline.
Comment: This sequence change replaces asparagine, which is neutral and polar, with lysine, which is basic and polar, at codon 2259 of the CACNA1E protein (p.Asn2259Lys). This variant is present in population databases (no rsID available, gnomAD 0.002%). This variant has not been reported in the literature in individuals affected with CACNA1E-related conditions. Advanced modeling of protein sequence and biophysical properties (such as structural, functional, and spatial information, amino acid conservation, physicochemical variation, residue mobility, and thermodynamic stability) performed at Invitae indicates that this missense variant is not expected to disrupt CACNA1E protein function with a negative predictive value of 95%. In summary, the available evidence is currently insufficient to determine the role of this variant in disease. Therefore, it has been classified as a Variant of Uncertain Significance.